The following is an entry in ClinVar:

NM_022369.4(STRA6):c.1521-208del

Gene: STRA6 (signaling receptor and transporter of retinol STRA6; minus strand). Cytogenetic location: 15q24.1.
Variant type: Deletion.
Coding change: c.1521-208del on transcript NM_022369.4 (MANE Select); 208 bases into the intron before coding-DNA position 1521, one base deleted (C; older notation c.1521-208delC).
Molecular consequence: intron variant.
Genome position (GRCh38, 1-based): chr15:74,181,666, G deleted on the plus strand (C on the coding strand, the reverse complement: STRA6 is on the minus strand); the first of 3 consecutive G bases (chr15:74,181,666-74,181,668); deleting any one gives the same sequence. VCF-style (leftmost placement, unchanged base first): chr15-74181665-TG-T. GRCh37 (hg19) VCF-style: chr15-74474006-TG-T.
Other names: c.1632-208del (NM_001199040.2); c.1494-208del (NM_001142619.2); c.1521-208del (NM_001142617.2, NM_001142618.2); c.1566-208del (NM_001199041.2); c.1638-208del (NM_001199042.2).
Identifiers: ClinVar variation 1707189 (VCV001707189.2), dbSNP rs146482003, ClinGen allele CA272747257.

ClinVar aggregate classification (germline): Likely benign (1 of 4 stars; one submission).

Submission:

GeneDx
Classification: Likely benign. Last evaluated: 2020-07-20. Review status: criteria provided, single submitter. Criteria: GeneDx Variant Classification Process June 2021. Collection method: clinical testing. Allele origin: germline. Affected: yes.
Comment: See Variant Classification Assertion Criteria.